The following is an entry in ClinVar:

NM_001101.5(ACTB):c.225C>G (p.Ile75Met)

Gene: ACTB (actin beta; minus strand). Cytogenetic location: 7p22.1.
Variant type: single nucleotide variant.
Coding change: c.225C>G on transcript NM_001101.5 (MANE Select); coding-DNA position 225, C replaced by G.
Protein change: p.Ile75Met; replaces isoleucine 75 with methionine.
Molecular consequence: missense variant.
Genome position (GRCh38, 1-based): chr7:5,529,299, G>C on the plus strand (C>G on the coding strand, the complement: ACTB is on the minus strand). VCF-style: chr7-5529299-G-C. GRCh37 (hg19) VCF-style: chr7-5568930-G-C.
Other names: short protein forms I75M.
Identifiers: ClinVar variation 930603 (VCV000930603.3), dbSNP rs759412044, ClinGen allele CA366704851.

ClinVar aggregate classification (germline): Uncertain significance (1 of 4 stars; one submission).

Conditions:
Baraitser-Winter syndrome 1 (BRWS1). Also called: BARAITSER-WINTER SYNDROME 1, ATYPICAL; PACHYGYRIA, MENTAL RETARDATION, EPILEPSY, AND CHARACTERISTIC FACIES; MENTAL RETARDATION WITH EPILEPSY AND CHARACTERISTIC FACIES; Cerebrofrontofacial syndrome. Identifiers: Orphanet 2649, Orphanet 2995, MedGen C1855722, MONDO:0009470, OMIM 243310.

Submission:

Centre for Mendelian Genomics, University Medical Centre Ljubljana
Classification: Uncertain significance for Baraitser-Winter syndrome 1. Last evaluated: 2019-12-02. Review status: criteria provided, single submitter. Criteria: ACMG Guidelines, 2015. Collection method: clinical testing. Allele origin: unknown. Affected: yes.
Comment: This variant was classified as: Uncertain significance. The available evidence on this variant's pathogenicity is insufficient or conflicting. The following ACMG criteria were applied in classifying this variant: PM2.